The following is an entry in ClinVar:

ClinVar aggregate classification (germline): Uncertain significance. Review status: criteria provided, multiple submitters, no conflicts (2 of 4 stars). 2 submissions from 2 submitters: Uncertain significance (2). Last evaluated 2021-04-20.

Conditions:
Intellectual developmental disorder, autosomal dominant 54. Also called: MENTAL RETARDATION, AUTOSOMAL DOMINANT 54; Intellectual disability, autosomal dominant 54. Identifiers: MedGen C4540484, MONDO:0030920, OMIM 617799.

Allele frequency attached by ClinVar (database versions not stated): TOPMed below 0.00001.

Submissions (2):

Revvity Omics, Revvity
Classification: Uncertain significance for Intellectual developmental disorder, autosomal dominant 54. Last evaluated: 2021-04-20. Review status: criteria provided, single submitter. Criteria: ACMG Guidelines, 2015. Collection method: clinical testing. Allele origin: germline.

GeneDx
Classification: Uncertain significance. Last evaluated: 2019-12-30. Review status: criteria provided, single submitter. Criteria: GeneDx Variant Classification Process June 2021. Collection method: clinical testing. Allele origin: germline. Affected: yes.
Comment: Canonical splice site variant predicted to result in an in-frame deletion of exon 20; Not observed in large population cohorts (Lek et al., 2016); A nearby splice site variant (c.1597+2T>C) is observed in large population cohorts at a frequency that is greater than expected for this disorder (Lek et al., 2016); Has not been previously published as pathogenic or benign to our knowledge

NM_001220.5(CAMK2B):c.1597+1G>A

Gene: CAMK2B (calcium/calmodulin dependent protein kinase II beta; minus strand). Cytogenetic location: 7p13.
Variant type: single nucleotide variant.
Coding change: c.1597+1G>A on transcript NM_001220.5 (MANE Select); the canonical splice donor site of the intron after coding-DNA position 1597, G replaced by A.
Molecular consequence: splice donor variant. On other transcripts: intron variant (8).
Genome position (GRCh38, 1-based): chr7:44,226,515, C>T on the plus strand (G>A on the coding strand, the complement: CAMK2B is on the minus strand). VCF-style: chr7-44226515-C-T. GRCh37 (hg19) VCF-style: chr7-44266114-C-T.
Other names: c.947-5614G>A (NM_172084.3); c.1150+4491G>A (NM_172080.3); c.1036+4491G>A (NM_172083.3); c.1108+4491G>A (NM_172081.3); c.1153+4491G>A (NM_172079.3, NM_172082.3); c.1225+4491G>A (NM_001293170.2, NM_172078.3).
Identifiers: ClinVar variation 1310348 (VCV001310348.4), dbSNP rs2096481520, ClinGen allele CA367371339.